The following is an entry in ClinVar:

ClinVar aggregate classification (germline): Conflicting classifications of pathogenicity. Review status: criteria provided, conflicting classifications (1 of 4 stars). 4 submissions from 4 submitters: Uncertain significance (1); Benign (1); Likely benign (2). Last evaluated 2026-02-03.

Conditions:
Hereditary cancer-predisposing syndrome. Also called: Tumor predisposition; Neoplastic Syndromes, Hereditary; Hereditary neoplastic syndrome; Hereditary Cancer Syndrome. Identifiers: Orphanet 140162, MedGen C0027672, MeSH D009386, MONDO:0015356.
Rhabdoid tumor predisposition syndrome 2 (RTPS2). Identifiers: Orphanet 231108, Orphanet 69077, MedGen C2750074, MONDO:0013224, OMIM 613325.

Allele frequency attached by ClinVar (database versions not stated): 1000 Genomes Project 30x 0.00031; gnomAD 0.00031 and 0.00033; gnomAD exomes 0.00031; TOPMed 0.00035; 1000 Genomes Project 0.00040; ExAC 0.00054; ESP Exome Variant Server 0.00062.
gnomAD v4.1: 684 of 1,601,998 alleles (0.043%); highest among the groups gnomAD compares: Non-Finnish European, 0.055%; 1 homozygote.

Submissions (4):

Labcorp Genetics (formerly Invitae), Labcorp
Classification: Benign for Rhabdoid tumor predisposition syndrome 2. Last evaluated: 2026-02-03. Review status: criteria provided, single submitter. Criteria: Invitae Variant Classification Sherloc (09022015). Collection method: clinical testing. Allele origin: germline.

Blueprint Genetics
Classification: Likely benign. Last evaluated: 2023-11-30. Review status: criteria provided, single submitter. Criteria: ACMG Guidelines, 2015. Collection method: clinical testing. Allele origin: germline.

GeneDx
Classification: Likely benign. Last evaluated: 2016-08-15. Review status: criteria provided, single submitter. Criteria: GeneDx Variant Classification (06012015). Collection method: clinical testing. Allele origin: germline. Affected: yes.
Comment: This variant is considered likely benign or benign based on one or more of the following criteria: it is a conservative change, it occurs at a poorly conserved position in the protein, it is predicted to be benign by multiple in silico algorithms, and/or has population frequency not consistent with disease.

Ambry Genetics
Classification: Uncertain significance for Hereditary cancer-predisposing syndrome. Last evaluated: 2015-11-20. Review status: criteria provided, single submitter. Criteria: Ambry Variant Classification Scheme 2023. Collection method: clinical testing. Allele origin: germline.
Comment: The c.1593+14T>A intronic alteration consists of a T to A substitution 4 nucleotides after coding exon 8 in the SMARCA4 gene. Based on insufficient or conflicting evidence, the clinical significance of this alteration remains unclear.

NM_003072.5(SMARCA4):c.1593+14T>A

Gene: SMARCA4 (SWI/SNF related BAF chromatin remodeling complex subunit ATPase 4; plus strand). Cytogenetic location: 19p13.2.
Variant type: single nucleotide variant.
Coding change: c.1593+14T>A on transcript NM_003072.5 (MANE Select); 14 bases into the intron after coding-DNA position 1593, T replaced by A.
Molecular consequence: intron variant.
Genome position (GRCh38, 1-based): chr19:10,995,015, T>A. VCF-style: chr19-10995015-T-A. GRCh37 (hg19) VCF-style: chr19-11105691-T-A.
Other names: c.1593+14T>A (NM_001128844.3, NM_001128849.3, NM_001128847.4 and 5 more transcripts).
Identifiers: ClinVar variation 388543 (VCV000388543.16), dbSNP rs201395711, ClinGen allele CA9203796.
Genomic context (GRCh38, chr19:10,995,015, plus strand): 5'-AGAAAGAGAACGAGCGGATCGAGAAGGAGCGCATGCGGAGGCTCATGGTATGGTCCTGCC[T>A]TCTTGACGTGCGCTCTTCTACATGTGTAGCTGGTACTGCGGGCTCCAGGGGTCACTCCCC-3'